The following is an entry in ClinVar:

ClinVar aggregate classification (germline): Uncertain significance (1 of 4 stars; one submission).

Conditions:
Short-rib thoracic dysplasia 14 with polydactyly (SRTD14). Identifiers: Orphanet 397715, MedGen C4225286, MONDO:0014688, OMIM 616546.
Joubert syndrome 23 (JBTS23). Identifiers: Orphanet 475, MedGen C4084822, MONDO:0014664, OMIM 616490.

Allele frequency attached by ClinVar (database versions not stated): TOPMed 0.00002; gnomAD 0.00003.
gnomAD v4.1: 8 of 1,552,130 alleles (0.00052%); highest among the groups gnomAD compares: African/African-American, 0.0069%; no homozygotes.

Submission:

Labcorp Genetics (formerly Invitae), Labcorp
Classification: Uncertain significance for Joubert syndrome 23; Short-rib thoracic dysplasia 14 with polydactyly. Last evaluated: 2024-03-11. Review status: criteria provided, single submitter. Criteria: Invitae Variant Classification Sherloc (09022015). Collection method: clinical testing. Allele origin: germline.
Comment: This sequence change replaces aspartic acid, which is acidic and polar, with asparagine, which is neutral and polar, at codon 928 of the KIAA0586 protein (p.Asp928Asn). This variant is not present in population databases (gnomAD no frequency). This variant has not been reported in the literature in individuals affected with KIAA0586-related conditions. ClinVar contains an entry for this variant (Variation ID: 1396881). Advanced modeling of protein sequence and biophysical properties (such as structural, functional, and spatial information, amino acid conservation, physicochemical variation, residue mobility, and thermodynamic stability) performed at Invitae indicates that this missense variant is expected to disrupt KIAA0586 protein function with a positive predictive value of 80%. In summary, the available evidence is currently insufficient to determine the role of this variant in disease. Therefore, it has been classified as a Variant of Uncertain Significance.

NM_001329943.3(KIAA0586):c.2623G>A (p.Asp875Asn)

Gene: KIAA0586 (KIAA0586; plus strand). Cytogenetic location: 14q23.1.
Variant type: single nucleotide variant.
Coding change: c.2623G>A on transcript NM_001329943.3 (MANE Select); coding-DNA position 2623, G replaced by A.
Protein change: p.Asp875Asn; replaces aspartic acid 875 with asparagine.
Molecular consequence: missense variant.
Genome position (GRCh38, 1-based): chr14:58,472,268, G>A. VCF-style: chr14-58472268-G-A. GRCh37 (hg19) VCF-style: chr14-58938986-G-A.
Other names: c.2782G>A, p.Asp928Asn (NM_001244189.2); c.2578G>A, p.Asp860Asn (NM_001244190.2); c.2368G>A, p.Asp790Asn (NM_001244191.2, NM_001329945.2, NM_001364700.1 and 1 more transcripts); c.2491G>A, p.Asp831Asn (NM_001244192.2); c.2203G>A, p.Asp735Asn (NM_001244193.2); c.2623G>A, p.Asp875Asn (NM_001329944.2, NM_001329946.2, NM_001329947.2); c.2395G>A, p.Asp799Asn (NM_014749.5); short protein forms D735N, D799N, D860N, D790N, D831N, D875N, D928N.
Identifiers: ClinVar variation 1396881 (VCV001396881.8), dbSNP rs770913768, ClinGen allele CA389877262.
Genomic context (GRCh38, chr14:58,472,268, plus strand): 5'-ATTATGAAGGTAGATGAAGAAGAGGTGAAGTTTCCAGGAACTAACTTTGATGAAATAATC[G>A]ATGTCATACAGGTAACAAAGCTTAGAAACCATGAGAAATTATTTTTCTACCGGTATTTTT-3'
Protein context (NP_001316872.1, residues 865-885): FPGTNFDEII[Asp875Asn]VIQEEEKCDE